The following is an entry in ClinVar:

ClinVar aggregate classification (germline): Pathogenic (1 of 4 stars; one submission).

Allele frequency attached by ClinVar (database versions not stated): TOPMed below 0.00001; gnomAD 0.00001.

Submission:

Labcorp Genetics (formerly Invitae), Labcorp
Classification: Pathogenic. Last evaluated: 2023-09-20. Review status: criteria provided, single submitter. Criteria: Invitae Variant Classification Sherloc (09022015). Collection method: clinical testing. Allele origin: germline.
Comment: For these reasons, this variant has been classified as Pathogenic. This sequence change creates a premature translational stop signal (p.Ser1189Tyrfs*37) in the OTOGL gene. It is expected to result in an absent or disrupted protein product. Loss-of-function variants in OTOGL are known to be pathogenic (PMID: 23122586). This variant has not been reported in the literature in individuals affected with OTOGL-related conditions. This variant is not present in population databases (gnomAD no frequency).

Literature cited by the submitters: PubMed 23122586.

NM_001378609.3(OTOGL):c.3593del (p.Ser1198fs)

Gene: OTOGL (otogelin like; plus strand). Cytogenetic location: 12q21.31.
Variant type: Deletion.
Coding change: c.3593del on transcript NM_001378609.3 (MANE Select); coding-DNA position 3593, one base deleted (C; older notation c.3593delC).
Protein change: p.Ser1198fs; shifts the reading frame from serine 1198.
Molecular consequence: frameshift variant.
Genome position (GRCh38, 1-based): chr12:80,313,618, C deleted. VCF-style (leftmost placement, unchanged base first): chr12-80313617-TC-T. GRCh37 (hg19) VCF-style: chr12-80707397-TC-T.
Other names: c.3458del, p.Ser1153fs (NM_001368062.3); c.3593del, p.Ser1198fs (NM_001378610.3, NM_173591.7); short protein forms S1153fs, S1198fs.
Identifiers: ClinVar variation 2790641 (VCV002790641.3), dbSNP rs1435458212, ClinGen allele CA692397547.